The following is an entry in ClinVar:

ClinVar aggregate classification (germline): Uncertain significance. Review status: criteria provided, multiple submitters, no conflicts (2 of 4 stars). 2 submissions from 2 submitters: Uncertain significance (2). Last evaluated 2025-11-08.

Conditions:
Hereditary cancer-predisposing syndrome. Also called: Neoplastic Syndromes, Hereditary; Tumor predisposition; Hereditary Cancer Syndrome; Hereditary neoplastic syndrome. Identifiers: Orphanet 140162, MedGen C0027672, MeSH D009386, MONDO:0015356.

Submissions (2):

Ambry Genetics
Classification: Uncertain significance for Hereditary cancer-predisposing syndrome. Last evaluated: 2025-11-08. Review status: criteria provided, single submitter. Criteria: Ambry Variant Classification Scheme 2023. Collection method: clinical testing. Allele origin: germline.
Comment: The p.E311G variant (also known as c.932A>G), located in coding exon 6 of the MSH3 gene, results from an A to G substitution at nucleotide position 932. The glutamic acid at codon 311 is replaced by glycine, an amino acid with similar properties. This amino acid position is conserved. In addition, this alteration is predicted to be deleterious by in silico analysis. Based on the available evidence, the clinical significance of this variant remains unclear.

Labcorp Genetics (formerly Invitae), Labcorp
Classification: Uncertain significance. Last evaluated: 2025-11-05. Review status: criteria provided, single submitter. Criteria: Invitae Variant Classification Sherloc (09022015). Collection method: clinical testing. Allele origin: germline.
Comment: This sequence change replaces glutamic acid, which is acidic and polar, with glycine, which is neutral and non-polar, at codon 311 of the MSH3 protein (p.Glu311Gly). This variant is not present in population databases (gnomAD no frequency). This variant has not been reported in the literature in individuals affected with MSH3-related conditions. An algorithm developed to predict the effect of missense changes on protein structure and function (PolyPhen-2) suggests that this variant is likely to be disruptive. In summary, the available evidence is currently insufficient to determine the role of this variant in disease. Therefore, it has been classified as a Variant of Uncertain Significance.

NM_002439.5(MSH3):c.932A>G (p.Glu311Gly)

Genes: MSH3 (mutS homolog 3; plus strand), LOC126807437 (MED14-independent group 3 enhancer GRCh37_chr5:79968379-79969578; plus strand). Cytogenetic location: 5q14.1.
Variant type: single nucleotide variant.
Coding change: c.932A>G on transcript NM_002439.5 (MANE Select); coding-DNA position 932, A replaced by G.
Protein change: p.Glu311Gly; replaces glutamic acid 311 with glycine.
Molecular consequence: missense variant.
Genome position (GRCh38, 1-based): chr5:80,672,763, A>G. VCF-style: chr5-80672763-A-G. GRCh37 (hg19) VCF-style: chr5-79968582-A-G.
Other names: short protein forms E311G.
Identifiers: ClinVar variation 4654754 (VCV004654754.2).